The following is an entry in ClinVar:

ClinVar aggregate classification (germline): Uncertain significance (1 of 4 stars; one submission).

Submission:

Labcorp Genetics (formerly Invitae), Labcorp
Classification: Uncertain significance. Last evaluated: 2025-11-20. Review status: criteria provided, single submitter. Criteria: Invitae Variant Classification Sherloc (09022015). Collection method: clinical testing. Allele origin: germline.
Comment: This sequence change replaces lysine, which is basic and polar, with glutamic acid, which is acidic and polar, at codon 70 of the MUT protein (p.Lys70Glu). This variant is not present in population databases (gnomAD no frequency). This variant has not been reported in the literature in individuals affected with MUT-related conditions. Invitae Evidence Modeling of protein sequence and biophysical properties (such as structural, functional, and spatial information, amino acid conservation, physicochemical variation, residue mobility, and thermodynamic stability) has been performed for this missense variant. However, the output from this modeling did not meet the statistical confidence thresholds required to predict the impact of this variant on MUT protein function. In summary, the available evidence is currently insufficient to determine the role of this variant in disease. Therefore, it has been classified as a Variant of Uncertain Significance.

NM_000255.4(MMUT):c.208A>G (p.Lys70Glu)

Gene: MMUT (methylmalonyl-CoA mutase; minus strand). Cytogenetic location: 6p12.3.
Variant type: single nucleotide variant.
Coding change: c.208A>G on transcript NM_000255.4 (MANE Select); coding-DNA position 208, A replaced by G.
Protein change: p.Lys70Glu; replaces lysine 70 with glutamic acid.
Molecular consequence: missense variant.
Genome position (GRCh38, 1-based): chr6:49,459,259, T>C on the plus strand (A>G on the coding strand, the complement: MMUT is on the minus strand). VCF-style: chr6-49459259-T-C. GRCh37 (hg19) VCF-style: chr6-49426972-T-C.
Other names: short protein forms K70E.
Identifiers: ClinVar variation 4746150 (VCV004746150.1).